The following is an entry in ClinVar:

ClinVar aggregate classification (germline): Uncertain significance (1 of 4 stars; one submission).

Submission:

Labcorp Genetics (formerly Invitae), Labcorp
Classification: Uncertain significance. Last evaluated: 2024-05-11. Review status: criteria provided, single submitter. Criteria: Invitae Variant Classification Sherloc (09022015). Collection method: clinical testing. Allele origin: germline.
Comment: This sequence change replaces isoleucine, which is neutral and non-polar, with asparagine, which is neutral and polar, at codon 691 of the PRPF6 protein (p.Ile691Asn). This variant is not present in population databases (gnomAD no frequency). This variant has not been reported in the literature in individuals affected with PRPF6-related conditions. Advanced modeling of protein sequence and biophysical properties (such as structural, functional, and spatial information, amino acid conservation, physicochemical variation, residue mobility, and thermodynamic stability) performed at Invitae indicates that this missense variant is not expected to disrupt PRPF6 protein function with a negative predictive value of 80%. In summary, the available evidence is currently insufficient to determine the role of this variant in disease. Therefore, it has been classified as a Variant of Uncertain Significance.

NM_012469.4(PRPF6):c.2072T>A (p.Ile691Asn)

Gene: PRPF6 (pre-mRNA processing factor 6; plus strand). Cytogenetic location: 20q13.33.
Variant type: single nucleotide variant.
Coding change: c.2072T>A on transcript NM_012469.4 (MANE Select); coding-DNA position 2072, T replaced by A.
Protein change: p.Ile691Asn; replaces isoleucine 691 with asparagine.
Molecular consequence: missense variant.
Genome position (GRCh38, 1-based): chr20:64,027,025, T>A. VCF-style: chr20-64027025-T-A. GRCh37 (hg19) VCF-style: chr20-62658378-T-A.
Other names: short protein forms I691N.
Identifiers: ClinVar variation 3653056 (VCV003653056.2).